The following is an entry in ClinVar:

ClinVar aggregate classification (germline): Likely pathogenic (1 of 4 stars; one submission).

Conditions:
Autosomal recessive limb-girdle muscular dystrophy type 2J (LGMDR10). Also called: Limb-girdle muscular dystrophy, type 2J; MUSCULAR DYSTROPHY, LIMB-GIRDLE, AUTOSOMAL RECESSIVE 10. Identifiers: Orphanet 140922, MedGen C1837342, MONDO:0012127, OMIM 608807.
Dilated cardiomyopathy 1G (CMD1G). Identifiers: Orphanet 154, MedGen C1858763, MONDO:0011400, OMIM 604145.

Allele frequency attached by ClinVar (database versions not stated): gnomAD exomes below 0.00001.
gnomAD v4.1: 2 of 1,578,526 alleles (0.00013%); highest among the groups gnomAD compares: Non-Finnish European, 0.000086%; no homozygotes.

Submission:

Labcorp Genetics (formerly Invitae), Labcorp
Classification: Likely pathogenic for Dilated cardiomyopathy 1G; Autosomal recessive limb-girdle muscular dystrophy type 2J. Last evaluated: 2024-12-02. Review status: criteria provided, single submitter. Criteria: Invitae Variant Classification Sherloc (09022015). Collection method: clinical testing. Allele origin: germline.
Comment: This sequence change affects an acceptor splice site in intron 71 of the TTN gene. It is expected to disrupt RNA splicing and likely results in a truncated or disrupted TTN protein. This variant is not present in population databases (gnomAD no frequency). This variant has not been reported in the literature in individuals affected with TTN-related conditions. ClinVar contains an entry for this variant (Variation ID: 535185). Algorithms developed to predict the effect of sequence changes on RNA splicing suggest that this variant may disrupt the consensus splice site. This variant is located in the I band of TTN (PMID: 25589632). Truncating variants in this region have been reported in individuals affected with autosomal recessive centronuclear myopathy (PMID: 23975875, internal data). Truncating variants in this region have also been identified in individuals affected with autosomal dominant dilated cardiomyopathy and/or cardio-related conditions (PMID: 27869827, 32964742, internal data). In summary, the currently available evidence indicates that the variant is pathogenic, but additional data are needed to prove that conclusively. Therefore, this variant has been classified as Likely Pathogenic.

Literature cited by the submitters: PubMed 25589632; PubMed 23975875; PubMed 27869827; PubMed 32964742.

NM_001267550.2(TTN):c.20837-1G>A

Genes: TTN (titin; minus strand), LOC126806428 (BRD4-independent group 4 enhancer GRCh37_chr2:179588362-179589561; plus strand). Cytogenetic location: 2q31.2.
Variant type: single nucleotide variant.
Coding change: c.20837-1G>A on transcript NM_001267550.2 (MANE Select); the canonical splice acceptor site of the intron before coding-DNA position 20837, G replaced by A.
Molecular consequence: splice acceptor variant. On other transcripts: intron variant (3).
Genome position (GRCh38, 1-based): chr2:178,724,539, C>T on the plus strand (G>A on the coding strand, the complement: TTN is on the minus strand). VCF-style: chr2-178724539-C-T. GRCh37 (hg19) VCF-style: chr2-179589266-C-T.
Other names: c.13282+13543G>A (NM_003319.4); c.13858+13543G>A (NM_133437.4); c.13657+13543G>A (NM_133432.3); c.17105-1G>A (NM_133378.4); c.19886-1G>A (NM_001256850.1).
Identifiers: ClinVar variation 535185 (VCV000535185.5), dbSNP rs1553914337, ClinGen allele CA349540261.
Genomic context (GRCh38, chr2:178,724,539, plus strand): 5'-TGCACGTTTCTCCTACAGTCACCGTCATCGGTCCTGCCTTCTCAACAATGACTGCGGGCT[C>T]TGAAATAAAACGTGATATCCATCTGTCAAAGTCTGGGATCTTTACTCTGTCTCTACTATC-3'